The following is an entry in ClinVar:

ClinVar aggregate classification (germline): Conflicting classifications of pathogenicity. Review status: criteria provided, conflicting classifications (1 of 4 stars). 3 submissions from 3 submitters: Uncertain significance (1); Benign (1); Likely benign (1). Last evaluated 2025-10-01.

Conditions:
Hyperprolinemia type 2 (HYRPRO2). Also called: Deficiency of pyrroline-5-carboxylate reductase; 1-PYRROLINE-5-CARBOXYLATE DEHYDROGENASE DEFICIENCY; Delta-1-pyrroline-5-carboxylate dehydrogenase deficiency. Identifiers: Orphanet 79101, MedGen C2931835, MONDO:0009401, OMIM 239510.

Allele frequency attached by ClinVar (database versions not stated): ExAC 0.00044; 1000 Genomes Project 30x 0.00078; 1000 Genomes Project 0.00100; ESP Exome Variant Server 0.00100; gnomAD 0.00117 and 0.00124; TOPMed 0.00121.
gnomAD v4.1: 470 of 1,613,078 alleles (0.029%); highest among the groups gnomAD compares: African/African-American, 0.41%; 4 homozygotes.

Submissions (3):

Labcorp Genetics (formerly Invitae), Labcorp
Classification: Benign for Hyperprolinemia type 2. Last evaluated: 2025-10-01. Review status: criteria provided, single submitter. Criteria: Invitae Variant Classification Sherloc (09022015). Collection method: clinical testing. Allele origin: germline.

CeGaT Center for Human Genetics Tuebingen
Classification: Likely benign. Last evaluated: 2022-11-01. Review status: criteria provided, single submitter. Criteria: CeGaT Center For Human Genetics Tuebingen Variant Classification Criteria Version 2. Collection method: clinical testing. Allele origin: germline. Affected: yes. Observed: 2 variant alleles.
Comment: ALDH4A1: BP4, BP7

Illumina Laboratory Services, Illumina
Classification: Uncertain significance for Hyperprolinemia type 2. Last evaluated: 2018-01-13. Review status: criteria provided, single submitter. Criteria: ICSL Variant Classification Criteria 13 December 2019. Collection method: clinical testing. Allele origin: germline.

NM_003748.4(ALDH4A1):c.102C>T (p.Asn34=)

Gene: ALDH4A1 (aldehyde dehydrogenase 4 family member A1; minus strand). Cytogenetic location: 1p36.13.
Variant type: single nucleotide variant.
Coding change: c.102C>T on transcript NM_003748.4 (MANE Select); coding-DNA position 102, C replaced by T.
Protein change: p.Asn34=; no amino-acid change (asparagine 34 retained).
Molecular consequence: synonymous variant. On other transcripts: 5 prime UTR variant (1).
Genome position (GRCh38, 1-based): chr1:18,890,066, G>A on the plus strand (C>T on the coding strand, the complement: ALDH4A1 is on the minus strand). VCF-style: chr1-18890066-G-A. GRCh37 (hg19) VCF-style: chr1-19216560-G-A.
Other names: c.-79C>T (NM_001161504.2); c.102C>T, p.Asn34= (NM_001319218.2, NM_170726.3).
Identifiers: ClinVar variation 294394 (VCV000294394.39), dbSNP rs148778436, ClinGen allele CA647488.